The following is an entry in ClinVar:

ClinVar aggregate classification (germline): Uncertain significance. Review status: criteria provided, multiple submitters, no conflicts (2 of 4 stars). 3 submissions from 3 submitters: Uncertain significance (2). 1 of the submissions does not count toward it. Last evaluated 2025-02-28.

Conditions:
Inborn genetic diseases. Identifiers: MedGen C0950123, MeSH D030342.
Fanconi anemia (FA). Also called: Fanconi's anemia. Identifiers: Orphanet 84, MedGen C0015625, MeSH D005199, MONDO:0019391.
Fanconi anemia complementation group A (FANCA). Also called: FANCA-Related Fanconi Anemia; Fanconi anemia, group A. Identifiers: Orphanet 84, MedGen C3469521, MONDO:0009215, OMIM 227650.

Allele frequency attached by ClinVar (database versions not stated): gnomAD 0.00001; gnomAD exomes 0.00001 and 0.00002; TOPMed 0.00001; 1000 Genomes Project 0.00020; 1000 Genomes Project 30x 0.00031.
gnomAD v4.1: 30 of 1,613,630 alleles (0.0019%); highest among the groups gnomAD compares: Non-Finnish European, 0.0025%; no homozygotes.

Submissions (3):

Ambry Genetics
Classification: Uncertain significance for Inborn genetic diseases. Last evaluated: 2025-02-28. Review status: criteria provided, single submitter. Criteria: Ambry Variant Classification Scheme 2023. Collection method: clinical testing. Allele origin: germline.

Labcorp Genetics (formerly Invitae), Labcorp
Classification: Uncertain significance for Fanconi anemia. Last evaluated: 2024-02-11. Review status: criteria provided, single submitter. Criteria: Invitae Variant Classification Sherloc (09022015). Collection method: clinical testing. Allele origin: germline.
Comment: This sequence change replaces histidine, which is basic and polar, with leucine, which is neutral and non-polar, at codon 992 of the FANCA protein (p.His992Leu). This variant is present in population databases (rs184007986, gnomAD 0.0009%). This variant has not been reported in the literature in individuals affected with FANCA-related conditions. ClinVar contains an entry for this variant (Variation ID: 526364). Advanced modeling of protein sequence and biophysical properties (such as structural, functional, and spatial information, amino acid conservation, physicochemical variation, residue mobility, and thermodynamic stability) performed at Invitae indicates that this missense variant is not expected to disrupt FANCA protein function with a negative predictive value of 80%. In summary, the available evidence is currently insufficient to determine the role of this variant in disease. Therefore, it has been classified as a Variant of Uncertain Significance.

Natera, Inc.
Classification: Uncertain significance for Fanconi anemia, group A. Last evaluated: 2020-11-12. Review status: no assertion criteria provided. Collection method: clinical testing. Allele origin: germline. Not counted in ClinVar's aggregate classification.

NM_000135.4(FANCA):c.2975A>T (p.His992Leu)

Gene: FANCA (FA complementation group A; minus strand). Cytogenetic location: 16q24.3.
Variant type: single nucleotide variant.
Coding change: c.2975A>T on transcript NM_000135.4 (MANE Select); coding-DNA position 2975, A replaced by T.
Protein change: p.His992Leu; replaces histidine 992 with leucine.
Molecular consequence: missense variant.
Genome position (GRCh38, 1-based): chr16:89,758,583, T>A on the plus strand (A>T on the coding strand, the complement: FANCA is on the minus strand). VCF-style: chr16-89758583-T-A. GRCh37 (hg19) VCF-style: chr16-89824991-T-A.
Other names: c.2975A>T (LRG_495t1); c.2975A>T, p.His992Leu (NM_001286167.3); short protein forms H992L.
Identifiers: ClinVar variation 526364 (VCV000526364.6), dbSNP rs184007986, ClinGen allele CA286549085.
Genomic context (GRCh38, chr16:89,758,583, plus strand): 5'-TATCCTATTAGTCCTGTCCCTCCAGAGAACCCTAATACAGTGTGTGCTGCTAACCTTTGG[T>A]GGAAATCCATCAGTGCGTTGACAAGAATGGTACACGCAGCCTGCAGGTCTCCGTCACAGC-3'
Protein context (NP_000126.2, residues 982-1002): TILVNALMDF[His992Leu]QSSRSYDHSE